The following is an entry in ClinVar:

NM_000548.5(TSC2):c.1779C>G (p.His593Gln)

Gene: TSC2 (TSC complex subunit 2; plus strand). Cytogenetic location: 16p13.3.
Variant type: single nucleotide variant.
Coding change: c.1779C>G on transcript NM_000548.5 (MANE Select); coding-DNA position 1779, C replaced by G.
Protein change: p.His593Gln; replaces histidine 593 with glutamine.
Molecular consequence: missense variant. On other transcripts: non-coding transcript variant (5).
Genome position (GRCh38, 1-based): chr16:2,070,518, C>G. VCF-style: chr16-2070518-C-G. GRCh37 (hg19) VCF-style: chr16-2120519-C-G.
Other names: c.1779C>G, p.His593Gln (NM_001077183.3, NM_001114382.3, NM_001363528.2 and 6 more transcripts); c.1668C>G, p.His556Gln (NM_001318827.2, NM_001406670.1, NM_001406678.1); c.1632C>G, p.His544Gln (NM_001318829.2, NM_001406675.1, NM_001406676.1 and 1 more transcripts); c.1179C>G, p.His393Gln (NM_001318831.2, NM_001406680.1, NM_001406682.1 and 6 more transcripts); c.1812C>G, p.His604Gln (NM_001318832.2); c.1869C>G, p.His623Gln (NM_001406667.1, NM_001406668.1); c.1767C>G, p.His589Gln (NM_001406671.1, NM_001406673.1); c.1722C>G, p.His574Gln (NM_001406677.1); and 3 more; short protein forms H145Q, H544Q, H439Q, H574Q, H589Q, H59Q, H556Q, H593Q.
Identifiers: ClinVar variation 4557184 (VCV004557184.1).

ClinVar aggregate classification (germline): Uncertain significance (1 of 4 stars; one submission).

Conditions:
Hereditary cancer-predisposing syndrome. Also called: Tumor predisposition; Hereditary Cancer Syndrome; Hereditary neoplastic syndrome; Neoplastic Syndromes, Hereditary. Identifiers: Orphanet 140162, MedGen C0027672, MeSH D009386, MONDO:0015356.

Submission:

Ambry Genetics
Classification: Uncertain significance for Hereditary cancer-predisposing syndrome. Last evaluated: 2025-11-01. Review status: criteria provided, single submitter. Criteria: Ambry Variant Classification Scheme 2023. Collection method: clinical testing. Allele origin: germline.
Comment: The p.H593Q variant (also known as c.1779C>G), located in coding exon 16 of the TSC2 gene, results from a C to G substitution at nucleotide position 1779. The histidine at codon 593 is replaced by glutamine, an amino acid with highly similar properties. This amino acid position is conserved. In addition, this alteration is predicted to be deleterious by in silico analysis. Based on the available evidence, the clinical significance of this variant remains unclear.